The following is an entry in ClinVar:

NM_000059.4(BRCA2):c.6483C>A (p.Asp2161Glu)

Gene: BRCA2 (BRCA2 DNA repair associated; plus strand). Cytogenetic location: 13q13.1.
Variant type: single nucleotide variant.
Coding change: c.6483C>A on transcript NM_000059.4 (MANE Select); coding-DNA position 6483, C replaced by A.
Protein change: p.Asp2161Glu; replaces aspartic acid 2161 with glutamic acid.
Molecular consequence: missense variant.
Genome position (GRCh38, 1-based): chr13:32,340,838, C>A. VCF-style: chr13-32340838-C-A. GRCh37 (hg19) VCF-style: chr13-32914975-C-A.
Other names: short protein forms D2161E.
Identifiers: ClinVar variation 957938 (VCV000957938.13), dbSNP rs2072557146, ClinGen allele CA387789453.
Genomic context (GRCh38, chr13:32,340,838, plus strand): 5'-TTCTTCAGAAAATAATCACTCTATTAAAGTTTCTCCATATCTCTCTCAATTTCAACAAGA[C>A]AAACAACAGTTGGTATTAGGAACCAAAGTGTCACTTGTTGAGAACATTCATGTTTTGGGA-3'
Protein context (NP_000050.3, residues 2151-2171): VSPYLSQFQQ[Asp2161Glu]KQQLVLGTKV

ClinVar aggregate classification (germline): Conflicting classifications of pathogenicity. Review status: criteria provided, conflicting classifications (1 of 4 stars). 3 submissions from 3 submitters: Uncertain significance (2); Likely benign (1). Last evaluated 2023-03-23.

Conditions:
Hereditary cancer-predisposing syndrome. Also called: Tumor predisposition; Hereditary neoplastic syndrome; Neoplastic Syndromes, Hereditary; Hereditary Cancer Syndrome. Identifiers: Orphanet 140162, MedGen C0027672, MeSH D009386, MONDO:0015356.
Hereditary breast ovarian cancer syndrome. Also called: Hereditary breast and ovarian cancer; BRCA1- and BRCA2-Associated Hereditary Breast and Ovarian Cancer; Hereditary breast and/or ovarian cancer syndrome; Hereditary breast and ovarian cancer syndrome; Hereditary breast and ovarian cancer syndrome (HBOC); Breast and ovarian cancer. Identifiers: Orphanet 145, MedGen C0677776, MeSH D061325, MONDO:0003582. Disease mechanism: loss of function.

Submissions (3):

University of Washington Department of Laboratory Medicine, University of Washington
Classification: Likely benign for Hereditary cancer-predisposing syndrome. Last evaluated: 2023-03-23. Review status: criteria provided, single submitter. Criteria: Dines et al. (Genet Med. 2020). Collection method: curation. Allele origin: germline.
Comment: Missense variant in a coldspot region where missense variants are very unlikely to be pathogenic (PMID:31911673).

BRCA2 exon 11 coldspot. Reclassification based on statistical prior probability.

Ambry Genetics
Classification: Uncertain significance for Hereditary cancer-predisposing syndrome. Last evaluated: 2021-04-15. Review status: criteria provided, single submitter. Criteria: Ambry Variant Classification Scheme 2023. Collection method: clinical testing. Allele origin: germline.
Comment: The p.D2161E variant (also known as c.6483C>A), located in coding exon 10 of the BRCA2 gene, results from a C to A substitution at nucleotide position 6483. The aspartic acid at codon 2161 is replaced by glutamic acid, an amino acid with highly similar properties. This amino acid position is not well conserved in available vertebrate species. In addition, this alteration is predicted to be tolerated by in silico analysis. Since supporting evidence is limited at this time, the clinical significance of this alteration remains unclear.

Labcorp Genetics (formerly Invitae), Labcorp
Classification: Uncertain significance for Hereditary breast ovarian cancer syndrome. Last evaluated: 2019-10-02. Review status: criteria provided, single submitter. Criteria: Invitae Variant Classification Sherloc (09022015). Collection method: clinical testing. Allele origin: germline.
Comment: In summary, the available evidence is currently insufficient to determine the role of this variant in disease. Therefore, it has been classified as a Variant of Uncertain Significance. This sequence change replaces aspartic acid with glutamic acid at codon 2161 of the BRCA2 protein (p.Asp2161Glu). The aspartic acid residue is weakly conserved and there is a small physicochemical difference between aspartic acid and glutamic acid. This variant is not present in population databases (ExAC no frequency). This variant has not been reported in the literature in individuals with BRCA2-related conditions. Algorithms developed to predict the effect of missense changes on protein structure and function are either unavailable or do not agree on the potential impact of this missense change (SIFT: "Tolerated"; PolyPhen-2: "Possibly Damaging"; Align-GVGD: "Class C0").